The following is an entry in ClinVar:

ClinVar aggregate classification (germline): Uncertain significance (1 of 4 stars; one submission).

Allele frequency attached by ClinVar (database versions not stated): gnomAD exomes 0.00001.

Submission:

Labcorp Genetics (formerly Invitae), Labcorp
Classification: Uncertain significance. Last evaluated: 2022-11-01. Review status: criteria provided, single submitter. Criteria: Invitae Variant Classification Sherloc (09022015). Collection method: clinical testing. Allele origin: germline.
Comment: In summary, the available evidence is currently insufficient to determine the role of this variant in disease. Therefore, it has been classified as a Variant of Uncertain Significance. Algorithms developed to predict the effect of missense changes on protein structure and function are either unavailable or do not agree on the potential impact of this missense change (SIFT: "Deleterious"; PolyPhen-2: "Possibly Damaging"; Align-GVGD: "Class C15"). ClinVar contains an entry for this variant (Variation ID: 1466879). This variant has not been reported in the literature in individuals affected with CUL7-related conditions. This variant is not present in population databases (gnomAD no frequency). This sequence change replaces histidine, which is basic and polar, with glutamine, which is neutral and polar, at codon 424 of the CUL7 protein (p.His424Gln).

NM_014780.5(CUL7):c.1272C>A (p.His424Gln)

Gene: CUL7 (cullin 7; minus strand). Cytogenetic location: 6p21.1.
Variant type: single nucleotide variant.
Coding change: c.1272C>A on transcript NM_014780.5 (MANE Select); coding-DNA position 1272, C replaced by A.
Protein change: p.His424Gln; replaces histidine 424 with glutamine.
Molecular consequence: missense variant.
Genome position (GRCh38, 1-based): chr6:43,050,360, G>T on the plus strand (C>A on the coding strand, the complement: CUL7 is on the minus strand). VCF-style: chr6-43050360-G-T. GRCh37 (hg19) VCF-style: chr6-43018098-G-T.
Other names: c.1368C>A, p.His456Gln (NM_001168370.2, NM_001374872.1); c.1272C>A, p.His424Gln (NM_001374873.1, NM_001374874.1); short protein forms H424Q, H456Q.
Identifiers: ClinVar variation 1466879 (VCV001466879.8), dbSNP rs1764287954, ClinGen allele CA364224328.
Genomic context (GRCh38, chr6:43,050,360, plus strand): 5'-ATCAGCCTCAACCATGTCCTCAATGTCTTCCTCAAAGCCCAAGATCTCCAGCATGTGCCA[G>T]TGCACCCAATAGGTGCGGCCTGTTGACTCCCAAAATACCTGGAGCATAGGGAAAGAAAGA-3'
Protein context (NP_055595.2, residues 414-434): WESTGRTYWV[His424Gln]WHMLEILGFE